The following is an entry in ClinVar:

NM_005263.5(GFI1):c.1235G>C (p.Arg412Pro)

Gene: GFI1 (growth factor independent 1 transcriptional repressor; minus strand). Cytogenetic location: 1p22.1.
Variant type: single nucleotide variant.
Coding change: c.1235G>C on transcript NM_005263.5 (MANE Select); coding-DNA position 1235, G replaced by C.
Protein change: p.Arg412Pro; replaces arginine 412 with proline.
Molecular consequence: missense variant.
Genome position (GRCh38, 1-based): chr1:92,476,063, C>G on the plus strand (G>C on the coding strand, the complement: GFI1 is on the minus strand). VCF-style: chr1-92476063-C-G. GRCh37 (hg19) VCF-style: chr1-92941620-C-G.
Other names: c.1235G>C, p.Arg412Pro (NM_001127215.3, NM_001127216.3); c.1235G>C (NM_005263.3); short protein forms R412P.
Identifiers: ClinVar variation 1176507 (VCV001176507.35), dbSNP rs1657950593, ClinGen allele CA341147657.
Genomic context (GRCh38, chr1:92,476,063, plus strand): 5'-CTGCTGCTTGCAGCCAGCCAGGGTGCTCATTTGAGCCCATGCTGCGTCTCCCGGTGCCTT[C>G]GGAGGTCCACCTTCCTCTGGAAACCCTTCCCACAGAGGTCGCAGCCGAAGGGCTTGAAGC-3'
Protein context (NP_005254.2, residues 402-422): GKGFQRKVDL[Arg412Pro]RHRETQHGLK

ClinVar aggregate classification (germline): Uncertain significance. Review status: criteria provided, multiple submitters, no conflicts (2 of 4 stars). 2 submissions from 2 submitters: Uncertain significance (2). Last evaluated 2025-05-10.

Submissions (2):

Ambry Genetics
Classification: Uncertain significance. Last evaluated: 2025-05-10. Review status: criteria provided, single submitter. Criteria: Ambry Variant Classification Scheme 2023. Collection method: clinical testing. Allele origin: germline.
Comment: The p.R412P variant (also known as c.1235G>C), located in coding exon 6 of the GFI1 gene, results from a G to C substitution at nucleotide position 1235. The arginine at codon 412 is replaced by proline, an amino acid with dissimilar properties. This amino acid position is conserved. In addition, the in silico prediction for this alteration is inconclusive. Based on the available evidence, the clinical significance of this variant remains unclear.

CeGaT Center for Human Genetics Tuebingen
Classification: Uncertain significance. Last evaluated: 2021-04-01. Review status: criteria provided, single submitter. Criteria: CeGaT Center For Human Genetics Tuebingen Variant Classification Criteria Version 2. Collection method: clinical testing. Allele origin: germline. Affected: yes. Observed: 2 variant alleles.